The following is an entry in ClinVar:

ClinVar aggregate classification (germline): Pathogenic (1 of 4 stars; one submission).

Conditions:
Familial thoracic aortic aneurysm and aortic dissection (TAAD). Also called: Thoracic aortic aneurysms and dissections. Identifiers: Orphanet 91387, MedGen C4707243, MONDO:0019625.

Submission:

Labcorp Genetics (formerly Invitae), Labcorp
Classification: Pathogenic for Familial thoracic aortic aneurysm and aortic dissection. Last evaluated: 2023-06-01. Review status: criteria provided, single submitter. Criteria: Invitae Variant Classification Sherloc (09022015). Collection method: clinical testing. Allele origin: germline.
Comment: This sequence change replaces valine, which is neutral and non-polar, with alanine, which is neutral and non-polar, at codon 229 of the TGFBR1 protein (p.Val229Ala). This variant is not present in population databases (gnomAD no frequency). This missense change has been observed in individual(s) with clinical features of Loeys-Dietz syndrome (Invitae). In at least one individual the variant was observed to be de novo. Advanced modeling of protein sequence and biophysical properties (such as structural, functional, and spatial information, amino acid conservation, physicochemical variation, residue mobility, and thermodynamic stability) performed at Invitae indicates that this missense variant is expected to disrupt TGFBR1 protein function. This variant disrupts the p.Val229 amino acid residue in TGFBR1. Other variant(s) that disrupt this residue have been observed in individuals with TGFBR1-related conditions (Invitae), which suggests that this may be a clinically significant amino acid residue. For these reasons, this variant has been classified as Pathogenic.

NM_004612.4(TGFBR1):c.686T>C (p.Val229Ala)

Gene: TGFBR1 (transforming growth factor beta receptor 1; plus strand). Cytogenetic location: 9q22.33.
Variant type: single nucleotide variant.
Coding change: c.686T>C on transcript NM_004612.4 (MANE Select); coding-DNA position 686, T replaced by C.
Protein change: p.Val229Ala; replaces valine 229 with alanine.
Molecular consequence: missense variant. On other transcripts: non-coding transcript variant (4), intron variant (2).
Genome position (GRCh38, 1-based): chr9:99,137,970, T>C. VCF-style: chr9-99137970-T-C. GRCh37 (hg19) VCF-style: chr9-101900252-T-C.
Other names: c.455T>C, p.Val152Ala (NM_001130916.3); c.698T>C, p.Val233Ala (NM_001306210.2, NM_001407416.1); c.686T>C, p.Val229Ala (NM_001407417.1); c.491T>C, p.Val164Ala (NM_001407418.1, NM_001407419.1, NM_001407420.1 and 1 more transcripts); c.479T>C, p.Val160Ala (NM_001407423.1, NM_001407424.1, NM_001407425.1 and 8 more transcripts); c.440T>C, p.Val147Ala (NM_001407436.1); c.209T>C, p.Val70Ala (NM_001407438.1); c.575-4566T>C (NM_001407435.1); and 1 more; short protein forms V229A, V147A, V164A, V70A, V152A, V160A, V233A.
Identifiers: ClinVar variation 2861761 (VCV002861761.3), dbSNP rs1588585372, ClinGen allele CA374229690.